The following is an entry in ClinVar:

NM_001368894.2(PAX6):c.112C>T (p.Arg38Trp)

Gene: PAX6 (paired box 6; minus strand). Cytogenetic location: 11p13.
Variant type: single nucleotide variant.
Coding change: c.112C>T on transcript NM_001368894.2 (MANE Select); coding-DNA position 112, C replaced by T.
Protein change: p.Arg38Trp; replaces arginine 38 with tryptophan.
Molecular consequence: missense variant. On other transcripts: 5 prime UTR variant (12), non-coding transcript variant (2), intron variant (2).
Genome position (GRCh38, 1-based): chr11:31,802,733, G>A on the plus strand (C>T on the coding strand, the complement: PAX6 is on the minus strand). VCF-style: chr11-31802733-G-A. GRCh37 (hg19) VCF-style: chr11-31824281-G-A.
Other names: c.112C>T, p.Arg38Trp (NM_000280.6, NM_001127612.3, NM_001258462.3 and 30 more transcripts); c.-670C>T (NM_001310160.2, NM_001368905.2); c.-339C>T (NM_001310161.3, NM_001368900.2, NM_001368903.2 and 2 more transcripts); c.-297C>T (NM_001368899.2, NM_001368901.2, NM_001368906.2 and 1 more transcripts); c.-628C>T (NM_001368902.2); c.355C>T, p.Arg119Trp (NM_001368910.2); c.115C>T, p.Arg39Trp (NM_001368911.2); c.-267-957C>T (NM_001368909.2, NM_001368904.2); and 1 more; short protein forms R38W, R119W, R39W.
Identifiers: ClinVar variation 40090 (VCV000040090.8), dbSNP rs397514640, ClinGen allele CA261246.

ClinVar aggregate classification (germline): Pathogenic/Likely pathogenic. Review status: criteria provided, multiple submitters, no conflicts (2 of 4 stars). 5 submissions from 4 submitters: Pathogenic (2); Likely pathogenic (1). 2 of the submissions do not count toward it. Last evaluated 2025-07-19.

Conditions:
Aniridia 1 (AN1). Identifiers: Orphanet 250923, MedGen C0344542, MONDO:0024507, OMIM 106210.
Irido-corneo-trabecular dysgenesis (ASGD5). Also called: ANTERIOR SEGMENT DYSGENESIS 5. Identifiers: Orphanet 708, MedGen C0344559, MONDO:0011414, OMIM 604229, HP:0000659.
Coloboma, ocular, autosomal dominant (MCOPCB12). Also called: Microphthalmia/coloboma 12. Identifiers: MedGen C5886785, MONDO:0007350, OMIM 120200.

Submissions (5):

GeneDx
Classification: Pathogenic. Last evaluated: 2025-07-19. Review status: criteria provided, single submitter. Criteria: GeneDx Variant Classification Process June 2021. Collection method: clinical testing. Allele origin: germline. Affected: yes.
Comment: Not observed at significant frequency in large population cohorts (gnomAD); In silico analysis supports that this missense variant has a deleterious effect on protein structure/function; This variant is associated with the following publications: (PMID: 17406642, 19876904, 37958513, 31700164, 39212610, 31896778, 33024313)

Labcorp Genetics (formerly Invitae), Labcorp
Classification: Pathogenic for Aniridia 1; Irido-corneo-trabecular dysgenesis. Last evaluated: 2025-07-06. Review status: criteria provided, single submitter. Criteria: Invitae Variant Classification Sherloc (09022015). Collection method: clinical testing. Allele origin: germline.
Comment: This sequence change replaces arginine, which is basic and polar, with tryptophan, which is neutral and slightly polar, at codon 38 of the PAX6 protein (p.Arg38Trp). This variant is not present in population databases (gnomAD no frequency). This missense change has been observed in individuals with clinical features of aniridia (PMID: 17406642, 19876904, 31700164). ClinVar contains an entry for this variant (Variation ID: 40090). Invitae Evidence Modeling of protein sequence and biophysical properties (such as structural, functional, and spatial information, amino acid conservation, physicochemical variation, residue mobility, and thermodynamic stability) indicates that this missense variant is expected to disrupt PAX6 protein function with a positive predictive value of 80%. This variant disrupts the p.Arg38 amino acid residue in PAX6. Other variant(s) that disrupt this residue have been determined to be pathogenic (PMID: 29145603, 29914532, 31700164, 34415986; internal data). This suggests that this residue is clinically significant, and that variants that disrupt this residue are likely to be disease-causing. For these reasons, this variant has been classified as Pathogenic.

Clinical Genomics Laboratory, Stanford Medicine
Classification: Likely pathogenic for Aniridia 1. Last evaluated: 2023-03-09. Review status: criteria provided, single submitter. Criteria: ACMG Guidelines, 2015. Collection method: clinical testing. Allele origin: paternal. Inheritance: Autosomal dominant inheritance. Affected: yes. Observed: 4 variant alleles, 4 heterozygotes. Clinical features observed: Nystagmus, motor delay.
Comment: The p.Arg38Trp variant in the PAX6 gene has been previously reported in 2 unrelated probands with nystagmus, bilateral cataracts, and bilateral iris colobomas (Williamson et al., 2020). This variant has also been reported in a proband with aniridia, microphthalmia, microcephaly, and café au lait macules, as well as in the proband’s mother who had a history of cataracts, nystagmus, and optic nerve hypoplasia. However, additional pathogenic variants in the NF1 and OTX2 genes were identified in this family (Henderson et al., 2007). This variant has also been reported in trans with another pathogenic variant (p.Arg240*) in a proband with severe ophthalmologic and brain anomalies. The proband’s father was affected with aniridia and was found to be heterozygous for p.Arg38Trp (Solomon et al., 2009). This variant was absent from large population databases, including the Genome Aggregation Database. This variant is present in ClinVar (Accession: VCV000040090.5). This variant occurs in an established functional domain of the PAX6 protein known as the paired domain. Pathogenic and likely pathogenic missense variants are known to cluster in this domain (Hingorani et al., 2009), and other variants affecting this amino acid residue have been reported in affected individuals (p.Arg38Pro, p.Arg38Gln, p.Arg38Gly). The arginine at position 38 is evolutionarily conserved. Computational tools predict that the p.Arg38Trp variant is deleterious; however, the accuracy of in silico algorithms is limited. These data were assessed using the ACMG/AMP variant interpretation guidelines. In summary, there is sufficient evidence to classify the p.Arg38Trp variant as likely pathogenic for autosomal dominant PAX6-related aniridia based on the information above. [ACMG evidence codes used: PM1; PM2; PS4_Moderate; PP1_Moderate, PP3]

OMIM
Classification: Pathogenic for ANIRIDIA. Last evaluated: 2009-11-01. Review status: no assertion criteria provided. Collection method: literature only. Allele origin: germline. Not counted in ClinVar's aggregate classification.

OMIM
Classification: Pathogenic for MICROPHTHALMIA/COLOBOMA 12. Last evaluated: 2009-11-01. Review status: no assertion criteria provided. Collection method: literature only. Allele origin: germline. Not counted in ClinVar's aggregate classification.

Literature cited by the submitters: PubMed 17406642 (cited by 3 submitters); PubMed 19876904 (cited by 3 submitters); PubMed 31700164 (cited by 3 submitters); PubMed 29145603 (cited by Labcorp Genetics (formerly Invitae), Labcorp); PubMed 29914532 (cited by Labcorp Genetics (formerly Invitae), Labcorp); PubMed 34415986 (cited by Labcorp Genetics (formerly Invitae), Labcorp); PubMed 19218613 (cited by Clinical Genomics Laboratory, Stanford Medicine); PubMed 15846561 (cited by OMIM).